The following is an entry in ClinVar:

ClinVar aggregate classification (germline): Uncertain significance (1 of 4 stars; one submission).

Submission:

Labcorp Genetics (formerly Invitae), Labcorp
Classification: Uncertain significance. Last evaluated: 2025-06-14. Review status: criteria provided, single submitter. Criteria: Invitae Variant Classification Sherloc (09022015). Collection method: clinical testing. Allele origin: germline.
Comment: This sequence change creates a premature translational stop signal (p.Tyr94*) in the OR2W3 gene. While this is not anticipated to result in nonsense mediated decay, it is expected to disrupt the last 221 amino acid(s) of the OR2W3 protein. This variant is present in population databases (rs769547971, gnomAD 0.01%). This variant has not been reported in the literature in individuals affected with OR2W3-related conditions. ClinVar contains an entry for this variant (Variation ID: 3717600). Experimental studies and prediction algorithms are not available or were not evaluated, and the functional significance of this variant is currently unknown. In summary, the available evidence is currently insufficient to determine the role of this variant in disease. Therefore, it has been classified as a Variant of Uncertain Significance.

NM_001001957.2(OR2W3):c.278_281dup (p.Tyr94Ter)

Gene: OR2W3 (olfactory receptor family 2 subfamily W member 3; plus strand). Cytogenetic location: 1q44.
Variant type: Duplication.
Coding change: c.278_281dup on transcript NM_001001957.2 (MANE Select); coding-DNA positions 278 to 281, 4 bases duplicated (GCTA; older notation c.278_281dupGCTA).
Protein change: p.Tyr94Ter; replaces tyrosine 94 with a stop codon.
Molecular consequence: nonsense.
Genome position (GRCh38, 1-based): chr1:247,895,864-247,895,867, GCTA duplicated; duplicating any 4 consecutive bases within chr1:247,895,863-247,895,867 gives the same sequence; the c. name uses the placement nearest the transcript's 3' end. VCF-style (leftmost placement, unchanged base first): chr1-247895862-C-CAGCT. GRCh37 (hg19) VCF-style: chr1-248059164-C-CAGCT.
Other names: short protein forms Y94*.
Identifiers: ClinVar variation 3717600 (VCV003717600.2).